The following is an entry in ClinVar:

NM_016148.5(SHANK1):c.4208C>G (p.Pro1403Arg)

Gene: SHANK1 (SH3 and multiple ankyrin repeat domains 1; minus strand). Cytogenetic location: 19q13.33.
Variant type: single nucleotide variant.
Coding change: c.4208C>G on transcript NM_016148.5 (MANE Select); coding-DNA position 4208, C replaced by G.
Protein change: p.Pro1403Arg; replaces proline 1403 with arginine.
Molecular consequence: missense variant.
Genome position (GRCh38, 1-based): chr19:50,667,752, G>C on the plus strand (C>G on the coding strand, the complement: SHANK1 is on the minus strand). VCF-style: chr19-50667752-G-C. GRCh37 (hg19) VCF-style: chr19-51171009-G-C.
Other names: short protein forms P1403R.
Identifiers: ClinVar variation 3765683 (VCV003765683.1).

ClinVar aggregate classification (germline): Uncertain significance (1 of 4 stars; one submission).

Submission:

Greenwood Genetic Center Diagnostic Laboratories, Greenwood Genetic Center
Classification: Uncertain significance. Last evaluated: 2024-10-02. Review status: criteria provided, single submitter. Criteria: ACMG Guidelines, 2015. Collection method: clinical testing. Allele origin: germline. Affected: yes.
Comment: Gene of Uncertain Significance